The following is an entry in ClinVar:

NM_203447.4(DOCK8):c.1778A>T (p.Asp593Val)

Gene: DOCK8 (dedicator of cytokinesis 8; plus strand). Cytogenetic location: 9p24.3.
Variant type: single nucleotide variant.
Coding change: c.1778A>T on transcript NM_203447.4 (MANE Select); coding-DNA position 1778, A replaced by T.
Protein change: p.Asp593Val; replaces aspartic acid 593 with valine.
Molecular consequence: missense variant.
Genome position (GRCh38, 1-based): chr9:368,116, A>T. VCF-style: chr9-368116-A-T. GRCh37 (hg19) VCF-style: chr9-368116-A-T.
Other names: c.1574A>T, p.Asp525Val (NM_001190458.2, NM_001193536.2); short protein forms D525V, D593V.
Identifiers: ClinVar variation 1022963 (VCV001022963.6), dbSNP rs1282328578, ClinGen allele CA372759669.

ClinVar aggregate classification (germline): Uncertain significance (1 of 4 stars; one submission).

Conditions:
Combined immunodeficiency due to DOCK8 deficiency (HIES2). Also called: HYPER-IgE SYNDROME 2, AUTOSOMAL RECESSIVE, WITH RECURRENT INFECTIONS; HYPER-IgE RECURRENT INFECTION SYNDROME 2, AUTOSOMAL RECESSIVE; HIES autosomal recessive; DOCK8 Deficiency; Hyper-IgE recurrent infection syndrome, autosomal recessive. Identifiers: Orphanet 217390, MedGen C4722305, MONDO:0009478, OMIM 243700.

Allele frequency attached by ClinVar (database versions not stated): gnomAD exomes below 0.00001.
gnomAD v4.1: 1 of 1,614,116 alleles (0.000062%); highest among the groups gnomAD compares: Admixed American, 0.0017%; no homozygotes.

Submission:

Labcorp Genetics (formerly Invitae), Labcorp
Classification: Uncertain significance for Combined immunodeficiency due to DOCK8 deficiency. Last evaluated: 2021-08-27. Review status: criteria provided, single submitter. Criteria: Invitae Variant Classification Sherloc (09022015). Collection method: clinical testing. Allele origin: germline.
Comment: This sequence change replaces aspartic acid with valine at codon 593 of the DOCK8 protein (p.Asp593Val). The aspartic acid residue is highly conserved and there is a large physicochemical difference between aspartic acid and valine. This variant is not present in population databases (ExAC no frequency). This variant has not been reported in the literature in individuals affected with DOCK8-related conditions. Algorithms developed to predict the effect of missense changes on protein structure and function are either unavailable or do not agree on the potential impact of this missense change (SIFT: "Deleterious"; PolyPhen-2: "Probably Damaging"; Align-GVGD: "Class C0"). In summary, the available evidence is currently insufficient to determine the role of this variant in disease. Therefore, it has been classified as a Variant of Uncertain Significance.